The following is an entry in ClinVar:

NM_000492.4(CFTR):c.2634G>C (p.Leu878Phe)

Gene: CFTR (CF transmembrane conductance regulator; plus strand). Cytogenetic location: 7q31.2.
Variant type: single nucleotide variant.
Coding change: c.2634G>C on transcript NM_000492.4 (MANE Select); coding-DNA position 2634, G replaced by C.
Protein change: p.Leu878Phe; replaces leucine 878 with phenylalanine.
Molecular consequence: missense variant.
Genome position (GRCh38, 1-based): chr7:117,602,840, G>C. VCF-style: chr7-117602840-G-C. GRCh37 (hg19) VCF-style: chr7-117242894-G-C.
Other names: short protein forms L878F.
Identifiers: ClinVar variation 1794101 (VCV001794101.2), dbSNP rs2485121068, ClinGen allele CA368985963.

ClinVar aggregate classification (germline): Uncertain significance (1 of 4 stars; one submission).

Conditions:
Cystic fibrosis (CF). Also called: MUCOVISCIDOSIS. Identifiers: Orphanet 586, MedGen C0010674, MONDO:0009061, OMIM 219700. Disease mechanism: loss of function.

Submission:

Ambry Genetics
Classification: Uncertain significance for Cystic fibrosis. Last evaluated: 2014-08-12. Review status: criteria provided, single submitter. Criteria: Ambry Variant Classification Scheme 2023. Collection method: clinical testing. Allele origin: germline.
Comment: The p.L878F variant (also known as c.2634G>C), located in coding exon 16 of the CFTR gene, results from a G to C substitution at nucleotide position 2634. The leucine at codon 878 is replaced by phenylalanine, an amino acid with highly similar properties. This variant was not reported in population based cohorts in the following databases: Database of Single Nucleotide Polymorphisms (dbSNP), NHLBI Exome Sequencing Project (ESP), and 1000 Genomes Project. In the ESP, this variant was not observed in 6503 samples (13006 alleles) with coverage at this position. This amino acid position is well conserved in available vertebrate species. In addition, this alteration is predicted to be possibly damaging but tolerated by PolyPhen and SIFT in silico analyses, respectively. Since supporting evidence is limited at this time, the clinical significance of this variant remains unclear.